The following is an entry in ClinVar:

ClinVar aggregate classification (germline): Uncertain significance (1 of 4 stars; one submission).

Conditions:
Hereditary sensory and autonomic neuropathy type 6. Also called: HSAN VI; Neuropathy, hereditary sensory and autonomic, type VI. Identifiers: Orphanet 314381, MedGen C3539003, MONDO:0013839, OMIM 614653.
Epidermolysis bullosa simplex 3, localized or generalized intermediate, with BP230 deficiency (EBS3). Also called: Epidermolysis bullosa simplex due to BP230 deficiency; Epidermolysis bullosa simplex, autosomal recessive 2. Identifiers: Orphanet 412181, MedGen C3809470, MONDO:0014180, OMIM 615425.

Allele frequency attached by ClinVar (database versions not stated): TOPMed below 0.00001.

Submission:

Labcorp Genetics (formerly Invitae), Labcorp
Classification: Uncertain significance for Epidermolysis bullosa simplex 3, localized or generalized intermediate, with BP230 deficiency; Hereditary sensory and autonomic neuropathy type 6. Last evaluated: 2025-07-30. Review status: criteria provided, single submitter. Criteria: Invitae Variant Classification Sherloc (09022015). Collection method: clinical testing. Allele origin: germline.
Comment: The DST gene has multiple clinically relevant transcripts. This variant occurs in alternate transcript NM_015548.4, and corresponds to NM_001723.5:c.*42573G>A in the primary transcript. This sequence change replaces aspartic acid, which is acidic and polar, with asparagine, which is neutral and polar, at codon 1830 of the DST protein (p.Asp1830Asn). This variant is not present in population databases (gnomAD no frequency). This variant has not been reported in the literature in individuals affected with DST-related conditions. Experimental studies and prediction algorithms are not available or were not evaluated, and the functional significance of this variant is currently unknown. In summary, the available evidence is currently insufficient to determine the role of this variant in disease. Therefore, it has been classified as a Variant of Uncertain Significance.

NM_001374736.1(DST):c.13357G>A (p.Asp4453Asn)

Gene: DST (dystonin; minus strand). Cytogenetic location: 6p12.1.
Variant type: single nucleotide variant.
Coding change: c.13357G>A on transcript NM_001374736.1 (MANE Select); coding-DNA position 13357, G replaced by A.
Protein change: p.Asp4453Asn; replaces aspartic acid 4453 with asparagine.
Molecular consequence: missense variant.
Genome position (GRCh38, 1-based): chr6:56,572,944, C>T on the plus strand (G>A on the coding strand, the complement: DST is on the minus strand). VCF-style: chr6-56572944-C-T. GRCh37 (hg19) VCF-style: chr6-56437742-C-T.
Other names: c.7000G>A, p.Asp2334Asn (NM_001144769.5); c.6586G>A, p.Asp2196Asn (NM_001144770.2); c.13357G>A, p.Asp4453Asn (NM_001374722.1); c.12724G>A, p.Asp4242Asn (NM_001374729.1); c.6466G>A, p.Asp2156Asn (NM_001374730.1, NM_001386100.1, NM_183380.4); c.13384G>A, p.Asp4462Asn (NM_001374734.1); c.5488G>A, p.Asp1830Asn (NM_015548.5); short protein forms D1830N, D2334N, D2156N, D2196N, D4242N, D4453N, D4462N.
Identifiers: ClinVar variation 2939517 (VCV002939517.2), dbSNP rs2097798755, ClinGen allele CA364527495.